The following is an entry in ClinVar:

NM_001130438.3(SPTAN1):c.3627+20_3627+21delinsAG

Gene: SPTAN1 (spectrin alpha, non-erythrocytic 1; plus strand). Cytogenetic location: 9q34.11.
Variant type: Indel.
Coding change: c.3627+20_3627+21delinsAG on transcript NM_001130438.3 (MANE Select); bases 20 to 21 of the intron after coding-DNA position 3627, TC replaced by AG.
Molecular consequence: intron variant.
Genome position (GRCh38, 1-based): chr9:128,603,610-128,603,611, TC replaced by AG. VCF-style: chr9-128603610-TC-AG. GRCh37 (hg19) VCF-style: chr9-131365889-TC-AG.
Other names: c.3663+20_3663+21delinsAG (NM_001375318.1, NM_001375312.2); c.3627+20_3627+21delinsAG (NM_001375311.2, NM_001375310.1, NM_001363759.2 and 2 more transcripts); c.3567+20_3567+21delinsAG (NM_001375314.2, NM_001363765.2, NM_001195532.2).
Identifiers: ClinVar variation 3007943 (VCV003007943.3), dbSNP rs2541640734, ClinGen allele CA2740092856.

ClinVar aggregate classification (germline): Uncertain significance (1 of 4 stars; one submission).

Conditions:
Early-infantile DEE. Also called: Early infantile epileptic encephalopathy; Ohtahara syndrome; Early infantile epileptic encephalopathy with suppression bursts. Identifiers: Orphanet 1934, MedGen C0393706, MONDO:0800491.

Submission:

Labcorp Genetics (formerly Invitae), Labcorp
Classification: Uncertain significance for Early-infantile DEE. Last evaluated: 2023-10-03. Review status: criteria provided, single submitter. Criteria: Invitae Variant Classification Sherloc (09022015). Collection method: clinical testing. Allele origin: germline.
Comment: This sequence change falls in intron 28 of the SPTAN1 gene. It does not directly change the encoded amino acid sequence of the SPTAN1 protein. Information on the frequency of this variant in the gnomAD database is not available, as this variant may be reported differently in the database. This variant has not been reported in the literature in individuals affected with SPTAN1-related conditions. Experimental studies and prediction algorithms are not available or were not evaluated, and the effect of this variant on mRNA splicing is currently unknown. In summary, the available evidence is currently insufficient to determine the role of this variant in disease. Therefore, it has been classified as a Variant of Uncertain Significance.